The following is an entry in ClinVar:

ClinVar aggregate classification (germline): Benign. Review status: criteria provided, multiple submitters, no conflicts (2 of 4 stars). 2 submissions from 2 submitters: Benign (2). Last evaluated 2018-06-14.

Allele frequency attached by ClinVar (database versions not stated): gnomAD exomes 0.41752; gnomAD 0.42018 and 0.42889; TOPMed 0.42899; 1000 Genomes Project 30x 0.51077; 1000 Genomes Project 0.51637.
gnomAD v4.1: 667,436 of 1,592,068 alleles (42%); highest among the groups gnomAD compares: East Asian, 78%; 146,740 homozygotes.

Submissions (2):

GeneDx
Classification: Benign. Last evaluated: 2018-06-14. Review status: criteria provided, single submitter. Criteria: GeneDx Variant Classification (06012015). Collection method: clinical testing. Allele origin: germline. Affected: yes.
Comment: This variant is considered likely benign or benign based on one or more of the following criteria: it is a conservative change, it occurs at a poorly conserved position in the protein, it is predicted to be benign by multiple in silico algorithms, and/or has population frequency not consistent with disease.

Breakthrough Genomics
Classification: Benign. Review status: criteria provided, single submitter. Criteria: ACMG Guidelines, 2015. Collection method: not provided. Allele origin: germline. Inheritance: Autosomal dominant inheritance. Affected: yes.

NM_144670.6(A2ML1):c.2463+59G>C

Gene: A2ML1 (alpha-2-macroglobulin like 1; plus strand). Cytogenetic location: 12p13.31.
Variant type: single nucleotide variant.
Coding change: c.2463+59G>C on transcript NM_144670.6 (MANE Select); 59 bases into the intron after coding-DNA position 2463, G replaced by C.
Molecular consequence: intron variant.
Genome position (GRCh38, 1-based): chr12:8,852,071, G>C. VCF-style: chr12-8852071-G-C. GRCh37 (hg19) VCF-style: chr12-9004667-G-C.
Other names: c.990+59G>C (NM_001282424.3).
Identifiers: ClinVar variation 561554 (VCV000561554.2), dbSNP rs4882965, ClinGen allele CA16435676.